The following is an entry in ClinVar:

NM_000501.4(ELN):c.376+17C>T

Gene: ELN (elastin; plus strand). Cytogenetic location: 7q11.23.
Variant type: single nucleotide variant.
Coding change: c.376+17C>T on transcript NM_000501.4 (MANE Select); 17 bases into the intron after coding-DNA position 376, C replaced by T.
Molecular consequence: intron variant.
Genome position (GRCh38, 1-based): chr7:74,043,051, C>T. VCF-style: chr7-74043051-C-T. GRCh37 (hg19) VCF-style: chr7-73457381-C-T.
Other names: c.376+17C>T (NM_001081754.3, NM_001081753.3, NM_001278939.2 and 4 more transcripts); c.340+17C>T (NM_001278913.2); c.346+17C>T (NM_001278914.2, NM_001278917.2, NM_001081752.3 and 1 more transcripts).
Identifiers: ClinVar variation 682243 (VCV000682243.3), dbSNP rs1298971172, ClinGen allele CA575783941.

ClinVar aggregate classification (germline): Likely benign. Review status: criteria provided, multiple submitters, no conflicts (2 of 4 stars). 2 submissions from 2 submitters: Likely benign (2). Last evaluated 2024-09-19.

Conditions:
Supravalvar aortic stenosis (SVAS). Also called: Supravalvar aortic stenosis, Eisenberg type. Identifiers: Orphanet 3193, MedGen C0003499, MONDO:0008504, OMIM 185500, HP:0004381.

Allele frequency attached by ClinVar (database versions not stated): gnomAD below 0.00001 and 0.00001; gnomAD exomes 0.00001; TOPMed 0.00001.
gnomAD v4.1: 11 of 1,614,026 alleles (0.00068%); highest among the groups gnomAD compares: South Asian, 0.0066%; no homozygotes.

Submissions (2):

Labcorp Genetics (formerly Invitae), Labcorp
Classification: Likely benign for Supravalvar aortic stenosis. Last evaluated: 2024-09-19. Review status: criteria provided, single submitter. Criteria: Invitae Variant Classification Sherloc (09022015). Collection method: clinical testing. Allele origin: germline.

GeneDx
Classification: Likely benign. Last evaluated: 2018-04-24. Review status: criteria provided, single submitter. Criteria: GeneDx Variant Classification (06012015). Collection method: clinical testing. Allele origin: germline. Affected: yes.
Comment: This variant is considered likely benign or benign based on one or more of the following criteria: it is a conservative change, it occurs at a poorly conserved position in the protein, it is predicted to be benign by multiple in silico algorithms, and/or has population frequency not consistent with disease.